The following is an entry in ClinVar:

ClinVar aggregate classification (germline): Pathogenic (1 of 4 stars; one submission).

Conditions:
Seizures, benign familial infantile, 3 (BFIS3). Also called: CONVULSIONS, BENIGN FAMILIAL INFANTILE, 3; Familial neonatal seizures. Identifiers: Orphanet 140927, Orphanet 306, MedGen C1843140, MONDO:0011904, OMIM 607745.
Developmental and epileptic encephalopathy, 11 (DEE11). Also called: Early infantile epileptic encephalopathy 11. Identifiers: Orphanet 1934, MedGen C3150987, MONDO:0013388, OMIM 613721.

Submission:

Labcorp Genetics (formerly Invitae), Labcorp
Classification: Pathogenic for Seizures, benign familial infantile, 3; Developmental and epileptic encephalopathy, 11. Last evaluated: 2019-10-20. Review status: criteria provided, single submitter. Criteria: Invitae Variant Classification Sherloc (09022015). Collection method: clinical testing. Allele origin: germline.
Comment: This variant is not present in population databases (ExAC no frequency). For these reasons, this variant has been classified as Pathogenic. Loss-of-function variants in SCN2A are known to be pathogenic (PMID: 22495306, 23020937, 24650168). This variant has not been reported in the literature in individuals with SCN2A-related conditions. ClinVar contains an entry for this variant (Variation ID: 410976). This sequence change creates a premature translational stop signal (p.Thr400Asnfs*30) in the SCN2A gene. It is expected to result in an absent or disrupted protein product.

Literature cited by the submitters: PubMed 22495306; PubMed 23020937; PubMed 24650168.

NM_001040142.2(SCN2A):c.1198dup (p.Thr400fs)

Gene: SCN2A (sodium voltage-gated channel alpha subunit 2; plus strand). Cytogenetic location: 2q24.3.
Variant type: Duplication.
Coding change: c.1198dup on transcript NM_001040142.2 (MANE Select); coding-DNA position 1198, one base duplicated (A; older notation c.1198dupA).
Protein change: p.Thr400fs; shifts the reading frame from threonine 400.
Molecular consequence: frameshift variant.
Genome position (GRCh38, 1-based): chr2:165,313,923, A duplicated; the last of 4 consecutive A bases (chr2:165,313,920-165,313,923); duplicating any one gives the same sequence. VCF-style (leftmost placement, unchanged base first): chr2-165313919-G-GA. GRCh37 (hg19) VCF-style: chr2-166170429-G-GA.
Other names: c.1198dupA (NM_021007.2); c.1198dup, p.Thr400fs (NM_001040143.2, NM_001371246.1, NM_001371247.1 and 1 more transcripts); short protein forms T400fs.
Identifiers: ClinVar variation 410976 (VCV000410976.9), dbSNP rs1553568927, ClinGen allele CA16610228.
Genomic context (GRCh38, chr2:165,313,919, plus strand): 5'-CATCCTATATAAAATTTATTAAAATCTCTCTTCCATTTTGCAGACACTACGTGCTGCTGG[G>GA]AAAACGTACATGATATTTTTTGTGCTGGTCATTTTCTTGGGCTCATTCTATCTAATAAAT-3'